The following is an entry in ClinVar:

NM_000298.6(PKLR):c.1163C>T (p.Thr388Ile)

Gene: PKLR (pyruvate kinase L/R; minus strand). Cytogenetic location: 1q22.
Variant type: single nucleotide variant.
Coding change: c.1163C>T on transcript NM_000298.6 (MANE Select); coding-DNA position 1163, C replaced by T.
Protein change: p.Thr388Ile; replaces threonine 388 with isoleucine.
Molecular consequence: missense variant.
Genome position (GRCh38, 1-based): chr1:155,293,544, G>A on the plus strand (C>T on the coding strand, the complement: PKLR is on the minus strand). VCF-style: chr1-155293544-G-A. GRCh37 (hg19) VCF-style: chr1-155263335-G-A.
Other names: c.1070C>T, p.Thr357Ile (NM_181871.4); short protein forms T357I, T388I.
Identifiers: ClinVar variation 3008041 (VCV003008041.3), dbSNP rs2525282183, ClinGen allele CA342752874.

ClinVar aggregate classification (germline): Uncertain significance (1 of 4 stars; one submission).

Submission:

Labcorp Genetics (formerly Invitae), Labcorp
Classification: Uncertain significance. Last evaluated: 2023-04-17. Review status: criteria provided, single submitter. Criteria: Invitae Variant Classification Sherloc (09022015). Collection method: clinical testing. Allele origin: germline.
Comment: This sequence change replaces threonine, which is neutral and polar, with isoleucine, which is neutral and non-polar, at codon 388 of the PKLR protein (p.Thr388Ile). This variant is not present in population databases (gnomAD no frequency). In summary, the available evidence is currently insufficient to determine the role of this variant in disease. Therefore, it has been classified as a Variant of Uncertain Significance. Advanced modeling of protein sequence and biophysical properties (such as structural, functional, and spatial information, amino acid conservation, physicochemical variation, residue mobility, and thermodynamic stability) performed at Invitae indicates that this missense variant is not expected to disrupt PKLR protein function. This variant has not been reported in the literature in individuals affected with PKLR-related conditions.